The following is an entry in ClinVar:

ClinVar aggregate classification (germline): Uncertain significance (1 of 4 stars; one submission).

Submission:

GeneDx
Classification: Uncertain significance. Last evaluated: 2025-07-18. Review status: criteria provided, single submitter. Criteria: GeneDx Variant Classification Process June 2021. Collection method: clinical testing. Allele origin: germline. Affected: yes.
Comment: In silico analysis supports that this missense variant has a deleterious effect on protein structure/function; Has not been previously published as pathogenic or benign to our knowledge

NM_016213.5(TRIP4):c.652C>T (p.Arg218Cys)

Gene: TRIP4 (thyroid hormone receptor interactor 4; plus strand). Cytogenetic location: 15q22.31.
Variant type: single nucleotide variant.
Coding change: c.652C>T on transcript NM_016213.5 (MANE Select); coding-DNA position 652, C replaced by T.
Protein change: p.Arg218Cys; replaces arginine 218 with cysteine.
Molecular consequence: missense variant. On other transcripts: 5 prime UTR variant (1), non-coding transcript variant (1).
Genome position (GRCh38, 1-based): chr15:64,400,776, C>T. VCF-style: chr15-64400776-C-T. GRCh37 (hg19) VCF-style: chr15-64692975-C-T.
Other names: c.-39C>T (NM_001321924.2); short protein forms R218C.
Identifiers: ClinVar variation 4686272 (VCV004686272.1).